The following is an entry in ClinVar:

NM_015662.3(IFT172):c.3807T>C (p.Thr1269=)

Genes: IFT172 (intraflagellar transport 172; minus strand), LOC126806173 (BRD4-independent group 4 enhancer GRCh37_chr2:27676057-27677256; plus strand). Cytogenetic location: 2p23.3.
Variant type: single nucleotide variant.
Coding change: c.3807T>C on transcript NM_015662.3 (MANE Select); coding-DNA position 3807, T replaced by C.
Protein change: p.Thr1269=; no amino-acid change (threonine 1269 retained).
Molecular consequence: synonymous variant.
Genome position (GRCh38, 1-based): chr2:27,453,644, A>G on the plus strand (T>C on the coding strand, the complement: IFT172 is on the minus strand). VCF-style: chr2-27453644-A-G. GRCh37 (hg19) VCF-style: chr2-27676511-A-G.
Identifiers: ClinVar variation 714370 (VCV000714370.5), dbSNP rs1572736035, ClinGen allele CA425608982.
Genomic context (GRCh38, chr2:27,453,644, plus strand): 5'-GACCCTCCCAGCCCTGCCAATGCTGCCTGGACCTCTGGCCTCATACCTGGCCCCCTTCTT[A>G]GTAGCTTCCCGCTCATATTCTTCCTGCAGAGCCTCCAGCTGGCTGGGCACATAGTCCTTG-3'
Protein context (NP_056477.1, residues 1259-1279): ALQEEYEREA[Thr1269=]KKGARGVEGF

ClinVar aggregate classification (germline): Likely benign. Review status: criteria provided, single submitter (1 of 4 stars). 2 submissions from 2 submitters: Likely benign (1). 1 of the submissions does not count toward it. Last evaluated 2018-04-17.

Conditions:
IFT172-related disorder. Also called: IFT172-related condition; IFT172-related disorders.

Submissions (2):

Labcorp Genetics (formerly Invitae), Labcorp
Classification: Likely benign. Last evaluated: 2018-04-17. Review status: criteria provided, single submitter. Criteria: Invitae Variant Classification Sherloc (09022015). Collection method: clinical testing. Allele origin: germline.

PreventionGenetics, part of Exact Sciences
Classification: Likely benign for IFT172-related condition. Last evaluated: 2022-01-17. Review status: no assertion criteria provided. Collection method: clinical testing. Allele origin: germline. Not counted in ClinVar's aggregate classification.
Comment: This variant is classified as likely benign based on ACMG/AMP sequence variant interpretation guidelines (Richards et al. 2015 PMID: 25741868, with internal and published modifications).